The following is an entry in ClinVar:

NM_001267550.2(TTN):c.98534C>A (p.Thr32845Asn)

Genes: TTN-AS1 (TTN antisense RNA 1; plus strand), TTN (titin; minus strand). Cytogenetic location: 2q31.2.
Variant type: single nucleotide variant.
Coding change: c.98534C>A on transcript NM_001267550.2 (MANE Select); coding-DNA position 98534, C replaced by A.
Protein change: p.Thr32845Asn; replaces threonine 32845 with asparagine.
Molecular consequence: missense variant. On other transcripts: non-coding transcript variant (1).
Genome position (GRCh38, 1-based): chr2:178,539,531, G>T on the plus strand (C>A on the coding strand, the complement: TTN is on the minus strand). VCF-style: chr2-178539531-G-T. GRCh37 (hg19) VCF-style: chr2-179404258-G-T.
Other names: c.93611C>A, p.Thr31204Asn (NM_001256850.1); c.71339C>A, p.Thr23780Asn (NM_003319.4); c.90830C>A, p.Thr30277Asn (NM_133378.4); c.71714C>A, p.Thr23905Asn (NM_133432.3); c.71915C>A, p.Thr23972Asn (NM_133437.4); short protein forms T23780N, T23905N, T23972N, T30277N, T31204N, T32845N.
Identifiers: ClinVar variation 5019193 (VCV005019193.2).

ClinVar aggregate classification (germline): Uncertain significance (1 of 4 stars; one submission).

Conditions:
Myopathy, myofibrillar, 9, with early respiratory failure (MFM9). Also called: MYOPATHY, PROXIMAL, WITH EARLY RESPIRATORY MUSCLE INVOLVEMENT; Hereditary myopathy with early respiratory failure; Myopathy, distal, with early respiratory failure, autosomal dominant; EDSTROM MYOPATHY. Identifiers: Orphanet 178464, Orphanet 34521, MedGen C1863599, MONDO:0011362, OMIM 603689.
Dilated cardiomyopathy 1G (CMD1G). Identifiers: Orphanet 154, MedGen C1858763, MONDO:0011400, OMIM 604145.
Early-onset myopathy with fatal cardiomyopathy (CMYO5). Also called: Salih Myopathy; CONGENITAL MYOPATHY 5 WITH CARDIOMYOPATHY. Identifiers: Orphanet 289377, MedGen C2673677, MONDO:0012714, OMIM 611705. Disease mechanism: loss of function.
Tibial muscular dystrophy (TMD). Also called: Udd Distal Myopathy – Tibial Muscular Dystrophy; Tibial muscular dystrophy, tardive; UDD MYOPATHY. Identifiers: Orphanet 609, MedGen C1838244, MONDO:0010870, OMIM 600334.
Hypertrophic cardiomyopathy 9. Also called: Familial hypertrophic cardiomyopathy 9. Identifiers: MedGen C1861065, MONDO:0013412, OMIM 613765.
Autosomal recessive limb-girdle muscular dystrophy type 2J (LGMDR10). Also called: Limb-girdle muscular dystrophy, type 2J; MUSCULAR DYSTROPHY, LIMB-GIRDLE, AUTOSOMAL RECESSIVE 10. Identifiers: Orphanet 140922, MedGen C1837342, MONDO:0012127, OMIM 608807.

Submission:

Juno Genomics, Hangzhou Juno Genomics, Inc
Classification: Uncertain significance for Early-onset myopathy with fatal cardiomyopathy; Hypertrophic cardiomyopathy 9; Myopathy, myofibrillar, 9, with early respiratory failure; Tibial muscular dystrophy; Dilated cardiomyopathy 1G; Autosomal recessive limb-girdle muscular dystrophy type 2J. Review status: criteria provided, single submitter. Criteria: ACMG Guidelines, 2015. Collection method: clinical testing. Allele origin: germline.
Comment: Absent from controls (or at extremely low frequency if recessive) in Genome Aggregation Database.;Missense variant in a gene that has a low rate of benign missense variation.